The following is an entry in ClinVar:

NM_003482.4(KMT2D):c.3070T>C (p.Cys1024Arg)

Gene: KMT2D (lysine methyltransferase 2D; minus strand). Cytogenetic location: 12q13.12.
Variant type: single nucleotide variant.
Coding change: c.3070T>C on transcript NM_003482.4 (MANE Select); coding-DNA position 3070, T replaced by C.
Protein change: p.Cys1024Arg; replaces cysteine 1024 with arginine.
Molecular consequence: missense variant.
Genome position (GRCh38, 1-based): chr12:49,050,518, A>G on the plus strand (T>C on the coding strand, the complement: KMT2D is on the minus strand). VCF-style: chr12-49050518-A-G. GRCh37 (hg19) VCF-style: chr12-49444301-A-G.
Other names: short protein forms C1024R.
Identifiers: ClinVar variation 2757234 (VCV002757234.4), dbSNP rs757756934, ClinGen allele CA6548126.

ClinVar aggregate classification (germline): Benign. Review status: criteria provided, single submitter (1 of 4 stars). 2 submissions from 2 submitters: Benign (1). 1 of the submissions does not count toward it. Last evaluated 2023-08-17.

Conditions:
KMT2D-related disorder. Also called: KMT2D-Related Disorders.
Kabuki syndrome. Also called: NIIKAWA-KUROKI SYNDROME; Kabuki make-up syndrome. Identifiers: Orphanet 2322, MedGen C0796004, MONDO:0016512.

Allele frequency attached by ClinVar (database versions not stated): gnomAD 0.00001; TOPMed 0.00002; gnomAD exomes 0.00003; ExAC 0.00005.
gnomAD v4.1: 46 of 1,610,234 alleles (0.0029%); highest among the groups gnomAD compares: Non-Finnish European, 0.0037%; no homozygotes.

Submissions (2):

Labcorp Genetics (formerly Invitae), Labcorp
Classification: Benign for Kabuki syndrome. Last evaluated: 2023-08-17. Review status: criteria provided, single submitter. Criteria: Invitae Variant Classification Sherloc (09022015). Collection method: clinical testing. Allele origin: germline.

PreventionGenetics, part of Exact Sciences
Classification: Uncertain significance for KMT2D-related condition. Last evaluated: 2024-09-13. Review status: no assertion criteria provided. Collection method: clinical testing. Allele origin: germline. Not counted in ClinVar's aggregate classification.
Comment: The KMT2D c.3070T>C variant is predicted to result in the amino acid substitution p.Cys1024Arg. This variant has been observed in a cohort of individuals with Kabuki syndrome and reported as a paternally-inherited, variant of uncertain significance (Table S3, Faundes et al. 2018. PubMed ID: 29276005). This variant is reported in 0.0081% of alleles in individuals of European (Non-Finnish) descent in gnomAD. At this time, the clinical significance of this variant is uncertain due to the absence of conclusive functional and genetic evidence.